The following is an entry in ClinVar:

ClinVar aggregate classification (germline): Uncertain significance (1 of 4 stars; one submission).

Submission:

Labcorp Genetics (formerly Invitae), Labcorp
Classification: Uncertain significance. Last evaluated: 2024-07-17. Review status: criteria provided, single submitter. Criteria: Invitae Variant Classification Sherloc (09022015). Collection method: clinical testing. Allele origin: germline.
Comment: This sequence change falls in intron 18 of the COL4A4 gene. It does not directly change the encoded amino acid sequence of the COL4A4 protein. It affects a nucleotide within the consensus splice site. This variant is not present in population databases (gnomAD no frequency). This variant has not been reported in the literature in individuals affected with COL4A4-related conditions. ClinVar contains an entry for this variant (Variation ID: 1983793). Variants that disrupt the consensus splice site are a relatively common cause of aberrant splicing (PMID: 17576681, 9536098). Algorithms developed to predict the effect of sequence changes on RNA splicing suggest that this variant is not likely to affect RNA splicing. In summary, the available evidence is currently insufficient to determine the role of this variant in disease. Therefore, it has been classified as a Variant of Uncertain Significance.

Literature cited by the submitters: PubMed 17576681; PubMed 9536098.

NM_000092.5(COL4A4):c.1100-3C>T

Gene: COL4A4 (collagen type IV alpha 4 chain; minus strand). Cytogenetic location: 2q36.3.
Variant type: single nucleotide variant.
Coding change: c.1100-3C>T on transcript NM_000092.5 (MANE Select); 3 bases into the intron before coding-DNA position 1100, C replaced by T.
Molecular consequence: intron variant.
Genome position (GRCh38, 1-based): chr2:227,098,801, G>A on the plus strand (C>T on the coding strand, the complement: COL4A4 is on the minus strand). VCF-style: chr2-227098801-G-A. GRCh37 (hg19) VCF-style: chr2-227963517-G-A.
Identifiers: ClinVar variation 1983793 (VCV001983793.4), dbSNP rs2475423553, ClinGen allele CA2580065840.